The following is an entry in ClinVar:

NM_001365951.3(KIF1B):c.1501A>G (p.Ile501Val)

Gene: KIF1B (kinesin family member 1B; plus strand). Cytogenetic location: 1p36.22.
Variant type: single nucleotide variant.
Coding change: c.1501A>G on transcript NM_001365951.3 (MANE Select); coding-DNA position 1501, A replaced by G.
Protein change: p.Ile501Val; replaces isoleucine 501 with valine.
Molecular consequence: missense variant.
Genome position (GRCh38, 1-based): chr1:10,291,148, A>G. VCF-style: chr1-10291148-A-G. GRCh37 (hg19) VCF-style: chr1-10351206-A-G.
Other names: c.1501A>G, p.Ile501Val (NM_001365952.1); c.1363A>G, p.Ile455Val (NM_001365953.1, NM_015074.3, NM_183416.4); short protein forms I501V, I455V.
Identifiers: ClinVar variation 1770880 (VCV001770880.2), dbSNP rs2521348533, ClinGen allele CA338313150.
Genomic context (GRCh38, chr1:10,291,148, plus strand): 5'-GAGAAGATCATTGCTGAGTTGAATGAAACTTGGGAAGAGAAGCTTCGTAAAACAGAGGCC[A>G]TCAGAATGGAGAGGTCAGGAGGTTAAAATCTGGAAATGTTTCTAAGTTTTCTAGGGGATG-3'
Protein context (NP_001352880.1, residues 491-511): WEEKLRKTEA[Ile501Val]RMEREALLAE

ClinVar aggregate classification (germline): Uncertain significance (1 of 4 stars; one submission).

Submission:

Ambry Genetics
Classification: Uncertain significance. Last evaluated: 2022-06-23. Review status: criteria provided, single submitter. Criteria: Ambry Variant Classification Scheme 2023. Collection method: clinical testing. Allele origin: germline.
Comment: The p.I455V variant (also known as c.1363A>G), located in coding exon 13 of the KIF1B gene, results from an A to G substitution at nucleotide position 1363. The isoleucine at codon 455 is replaced by valine, an amino acid with highly similar properties. This amino acid position is conserved. In addition, the in silico prediction for this alteration is inconclusive. Since supporting evidence is limited at this time, the clinical significance of this alteration remains unclear.